The following is an entry in ClinVar:

ClinVar aggregate classification (germline): Uncertain significance (1 of 4 stars; one submission).

Conditions:
Hereditary pheochromocytoma and paraganglioma. Also called: Hereditary paragangliomas and pheochromocytomas; Hereditary Paraganglioma-Pheochromocytoma Syndromes; Hereditary pheochromocytoma-paraganglioma. Identifiers: Orphanet 29072, MedGen C4274332, MONDO:0017366.

Submission:

Labcorp Genetics (formerly Invitae), Labcorp
Classification: Uncertain significance for Hereditary pheochromocytoma and paraganglioma. Last evaluated: 2021-06-09. Review status: criteria provided, single submitter. Criteria: Invitae Variant Classification Sherloc (09022015). Collection method: clinical testing. Allele origin: germline.
Comment: This sequence change affects codon 21 of the MAX mRNA. It is a 'silent' change, meaning that it does not change the encoded amino acid sequence of the MAX protein. This variant also falls at the last nucleotide of exon 2, which is part of the consensus splice site for this exon. This variant is not present in population databases (ExAC no frequency). This variant has been observed in individual(s) with paraganglioma-pheochromocytoma syndromes (PMID: 22452945). Nucleotide substitutions within the consensus splice site are a relatively common cause of aberrant splicing (PMID: 17576681, 9536098). Algorithms developed to predict the effect of sequence changes on RNA splicing suggest that this variant may disrupt the consensus splice site, but this prediction has not been confirmed by published transcriptional studies. In summary, the available evidence is currently insufficient to determine the role of this variant in disease. Therefore, it has been classified as a Variant of Uncertain Significance.

Literature cited by the submitters: PubMed 22452945; PubMed 17576681; PubMed 9536098.

NM_002382.5(MAX):c.63G>T (p.Ala21=)

Gene: MAX (MYC associated transcriptional regulator X; minus strand). Cytogenetic location: 14q23.3.
Variant type: single nucleotide variant.
Coding change: c.63G>T on transcript NM_002382.5 (MANE Select); coding-DNA position 63, G replaced by T.
Protein change: p.Ala21=; no amino-acid change (alanine 21 retained).
Molecular consequence: synonymous variant. On other transcripts: 5 prime UTR variant (1), intron variant (3).
Genome position (GRCh38, 1-based): chr14:65,101,546, C>A on the plus strand (G>T on the coding strand, the complement: MAX is on the minus strand). VCF-style: chr14-65101546-C-A. GRCh37 (hg19) VCF-style: chr14-65568264-C-A.
Other names: c.-212G>T (NM_001320415.2); c.63G>T, p.Ala21= (NM_145113.3, NM_145114.3, NM_197957.4); c.36+758G>T (NM_001271069.2, NM_145112.3, NM_001271068.2).
Identifiers: ClinVar variation 1512030 (VCV001512030.8), dbSNP rs765338814, ClinGen allele CA486744393.